The following is an entry in ClinVar:

ClinVar aggregate classification (germline): Uncertain significance (1 of 4 stars; one submission).

Conditions:
Primary ciliary dyskinesia. Also called: Ciliary dyskinesia. Identifiers: Orphanet 244, MedGen C0008780, MONDO:0016575, HP:0012265.

Submission:

Labcorp Genetics (formerly Invitae), Labcorp
Classification: Uncertain significance for Primary ciliary dyskinesia. Last evaluated: 2025-03-29. Review status: criteria provided, single submitter. Criteria: Invitae Variant Classification Sherloc (09022015). Collection method: clinical testing. Allele origin: germline.
Comment: This sequence change replaces methionine, which is neutral and non-polar, with valine, which is neutral and non-polar, at codon 179 of the ZMYND10 protein (p.Met179Val). This variant is not present in population databases (gnomAD no frequency). This variant has not been reported in the literature in individuals affected with ZMYND10-related conditions. Invitae Evidence Modeling of protein sequence and biophysical properties (such as structural, functional, and spatial information, amino acid conservation, physicochemical variation, residue mobility, and thermodynamic stability) indicates that this missense variant is not expected to disrupt ZMYND10 protein function with a negative predictive value of 80%. In summary, the available evidence is currently insufficient to determine the role of this variant in disease. Therefore, it has been classified as a Variant of Uncertain Significance.

NM_015896.4(ZMYND10):c.535A>G (p.Met179Val)

Gene: ZMYND10 (zinc finger MYND-type containing 10; minus strand). Cytogenetic location: 3p21.31.
Variant type: single nucleotide variant.
Coding change: c.535A>G on transcript NM_015896.4 (MANE Select); coding-DNA position 535, A replaced by G.
Protein change: p.Met179Val; replaces methionine 179 with valine.
Molecular consequence: missense variant.
Genome position (GRCh38, 1-based): chr3:50,343,182, T>C on the plus strand (A>G on the coding strand, the complement: ZMYND10 is on the minus strand). VCF-style: chr3-50343182-T-C. GRCh37 (hg19) VCF-style: chr3-50380613-T-C.
Other names: c.535A>G, p.Met179Val (NM_001308379.2); short protein forms M179V.
Identifiers: ClinVar variation 4798059 (VCV004798059.1).
Genomic context (GRCh38, chr3:50,343,182, plus strand): 5'-CCACACAGTCTGTGATGTAGCGTAGTACTGAGAGGGCCTTCAGTGCAATCTCAAATTCCA[T>C]CAGCTCTGCCTGCTTCTGCAGCTCCTGGGAGGTCACACAGTGTTCACGCTGGGCCACCCT-3'
Protein context (NP_056980.2, residues 169-189): MQELQKQAEL[Met179Val]EFEIALKALS